The following is an entry in ClinVar:

ClinVar aggregate classification (germline): Pathogenic. Review status: criteria provided, multiple submitters, no conflicts (2 of 4 stars). 2 submissions from 2 submitters: Pathogenic (2). Last evaluated 2025-05-18.

Conditions:
Joubert syndrome 25 (JBTS25). Identifiers: Orphanet 475, MedGen C4084842, MONDO:0014770, OMIM 616781.

Allele frequency attached by ClinVar (database versions not stated): gnomAD exomes below 0.00001 and 0.00001; ExAC 0.00001; gnomAD 0.00001.

Submissions (2):

Labcorp Genetics (formerly Invitae), Labcorp
Classification: Pathogenic for Joubert syndrome 25. Last evaluated: 2025-05-18. Review status: criteria provided, single submitter. Criteria: Invitae Variant Classification Sherloc (09022015). Collection method: clinical testing. Allele origin: germline.
Comment: This sequence change creates a premature translational stop signal (p.Gln694Argfs*5) in the CEP104 gene. It is expected to result in an absent or disrupted protein product. Loss-of-function variants in CEP104 are known to be pathogenic (PMID: 26477546). This variant is present in population databases (rs771531523, gnomAD 0.01%). This variant has not been reported in the literature in individuals affected with CEP104-related conditions. ClinVar contains an entry for this variant (Variation ID: 1322057). For these reasons, this variant has been classified as Pathogenic.

Revvity Omics, Revvity
Classification: Pathogenic. Last evaluated: 2019-10-07. Review status: criteria provided, single submitter. Criteria: ACMG Guidelines, 2015. Collection method: clinical testing. Allele origin: germline.

Literature cited by the submitters: PubMed 26477546 (cited by Labcorp Genetics (formerly Invitae), Labcorp).

NM_014704.4(CEP104):c.2081_2084del (p.Gln694fs)

Genes: CEP104 (centrosomal protein 104; minus strand), LOC126805586 (CDK7 strongly-dependent group 2 enhancer GRCh37_chr1:3745882-3747081; plus strand). Cytogenetic location: 1p36.32.
Variant type: Deletion.
Coding change: c.2081_2084del on transcript NM_014704.4 (MANE Select); coding-DNA positions 2081 to 2084, 4 bases deleted (AAAA; older notation c.2081_2084delAAAA).
Protein change: p.Gln694fs; shifts the reading frame from glutamine 694.
Molecular consequence: frameshift variant.
Genome position (GRCh38, 1-based): chr1:3,829,333-3,829,336, TTTT deleted on the plus strand (AAAA on the coding strand, the reverse complement: CEP104 is on the minus strand). VCF-style (leftmost placement, unchanged base first): chr1-3829332-CTTTT-C. GRCh37 (hg19) VCF-style: chr1-3745896-CTTTT-C.
Other names: short protein forms Q694fs.
Identifiers: ClinVar variation 1322057 (VCV001322057.5), dbSNP rs771531523, ClinGen allele CA551419.